The following is an entry in ClinVar:

ClinVar aggregate classification (germline): Uncertain significance (1 of 4 stars; one submission).

Allele frequency attached by ClinVar (database versions not stated): gnomAD exomes below 0.00001.
gnomAD v4.1: 1 of 1,611,096 alleles (0.000062%); highest among the groups gnomAD compares: Non-Finnish European, 0.000085%; no homozygotes.

Submission:

GeneDx
Classification: Uncertain significance. Last evaluated: 2022-04-22. Review status: criteria provided, single submitter. Criteria: GeneDx Variant Classification Process June 2021. Collection method: clinical testing. Allele origin: germline. Affected: yes.
Comment: Has not been previously published as pathogenic or benign to our knowledge; In silico analysis supports that this missense variant has a deleterious effect on protein structure/function

NM_001104631.2(PDE4D):c.1819G>A (p.Asp607Asn)

Gene: PDE4D (phosphodiesterase 4D; minus strand). Cytogenetic location: 5q11.2.
Variant type: single nucleotide variant.
Coding change: c.1819G>A on transcript NM_001104631.2 (MANE Select); coding-DNA position 1819, G replaced by A.
Protein change: p.Asp607Asn; replaces aspartic acid 607 with asparagine.
Molecular consequence: missense variant.
Genome position (GRCh38, 1-based): chr5:58,976,361, C>T on the plus strand (G>A on the coding strand, the complement: PDE4D is on the minus strand). VCF-style: chr5-58976361-C-T. GRCh37 (hg19) VCF-style: chr5-58272188-C-T.
Other names: c.1636G>A, p.Asp546Asn (NM_001165899.2, NM_001364599.1); c.1627G>A, p.Asp543Asn (NM_001197218.2); c.1453G>A, p.Asp485Asn (NM_001197219.2); c.1429G>A, p.Asp477Asn (NM_001197220.2); c.913G>A, p.Asp305Asn (NM_001197221.2, NM_001364603.1); c.1147G>A, p.Asp383Asn (NM_001197222.2); c.946G>A, p.Asp316Asn (NM_001197223.2); c.1606G>A, p.Asp536Asn (NM_001349241.2); and 3 more; short protein forms D305N, D316N, D351N, D383N, D471N, D477N, D485N, D497N.
Identifiers: ClinVar variation 1723862 (VCV001723862.2), dbSNP rs1463279737, ClinGen allele CA359814589.
Genomic context (GRCh38, chr5:58,976,361, plus strand): 5'-ACATGTGCACAGACACACACACACAGAGCAAACTCAAACAAGGCTTTACCTGAATCCTAT[C>T]GGAATAATTATCAAGAAGAAGAACTCCAGAGCTTGTCACTTTCTTAGTTTCAACCATAGT-3'
Protein context (NP_001098101.1, residues 597-617): SGVLLLDNYS[Asp607Asn]RIQVLQNMVH